The following is an entry in ClinVar:

ClinVar aggregate classification (germline): Pathogenic (1 of 4 stars; one submission).

Conditions:
Schimke immuno-osseous dysplasia (SIOD). Also called: Schimke Immunoosseous Dysplasia. Identifiers: Orphanet 1830, MedGen C0877024, MONDO:0009458, OMIM 242900.

Submission:

Labcorp Genetics (formerly Invitae), Labcorp
Classification: Pathogenic for Schimke immuno-osseous dysplasia. Last evaluated: 2019-06-18. Review status: criteria provided, single submitter. Criteria: Invitae Variant Classification Sherloc (09022015). Collection method: clinical testing. Allele origin: germline.
Comment: This sequence change creates a premature translational stop signal (p.Ala404Argfs*33) in the SMARCAL1 gene. It is expected to result in an absent or disrupted protein product. This variant is not present in population databases (ExAC no frequency). This variant has not been reported in the literature in individuals with SMARCAL1-related conditions. Loss-of-function variants in SMARCAL1 are known to be pathogenic (PMID: 11799392, 20301550). For these reasons, this variant has been classified as Pathogenic.

NM_014140.4(SMARCAL1):c.1210del (p.Ala404fs)

Gene: SMARCAL1 (SNF2 related chromatin remodeling annealing helicase 1; plus strand). Cytogenetic location: 2q35.
Variant type: Deletion.
Coding change: c.1210del on transcript NM_014140.4 (MANE Select); coding-DNA position 1210, one base deleted (G; older notation c.1210delG).
Protein change: p.Ala404fs; shifts the reading frame from alanine 404.
Molecular consequence: frameshift variant.
Genome position (GRCh38, 1-based): chr2:216,428,658, G deleted; the last of 2 consecutive G bases (chr2:216,428,657-216,428,658); deleting either gives the same sequence. VCF-style (leftmost placement, unchanged base first): chr2-216428656-TG-T. GRCh37 (hg19) VCF-style: chr2-217293379-TG-T.
Other names: c.1210del, p.Ala404fs (NM_001127207.2); short protein forms A404fs.
Identifiers: ClinVar variation 936564 (VCV000936564.1), dbSNP rs1693893975, ClinGen allele CA1139657689.
Genomic context (GRCh38, chr2:216,428,656, plus strand): 5'-TTGCAAAGGTGCGCTGCCTCCCACAAGTTCAGCTGGACCCTCTGCCCACGACTCTCACCC[TG>T]GCGTTTGCTTCTCAGCTCAAGAAGACATCTCTCAGTCTCACGCCAGATGTCCCAGAGGCA-3'